The following is an entry in ClinVar:

NM_015466.4(PTPN23):c.546+4A>G

Gene: PTPN23 (protein tyrosine phosphatase non-receptor type 23; plus strand). Cytogenetic location: 3p21.31.
Variant type: single nucleotide variant.
Coding change: c.546+4A>G on transcript NM_015466.4 (MANE Select); 4 bases into the intron after coding-DNA position 546, A replaced by G.
Molecular consequence: intron variant.
Genome position (GRCh38, 1-based): chr3:47,406,050, A>G. VCF-style: chr3-47406050-A-G. GRCh37 (hg19) VCF-style: chr3-47447540-A-G.
Other names: c.168+4A>G (NM_001304482.2).
Identifiers: ClinVar variation 1913328 (VCV001913328.5), dbSNP rs775297165, ClinGen allele CA543043362.

ClinVar aggregate classification (germline): Uncertain significance (1 of 4 stars; one submission).

gnomAD v4.1: 2 of 1,611,562 alleles (0.00012%); highest among the groups gnomAD compares: Non-Finnish European, 0.00017%; no homozygotes.

Submission:

Labcorp Genetics (formerly Invitae), Labcorp
Classification: Uncertain significance. Last evaluated: 2022-03-10. Review status: criteria provided, single submitter. Criteria: Invitae Variant Classification Sherloc (09022015). Collection method: clinical testing. Allele origin: germline.
Comment: In summary, the available evidence is currently insufficient to determine the role of this variant in disease. Therefore, it has been classified as a Variant of Uncertain Significance. This variant is present in population databases (no rsID available, gnomAD 0.0009%). This sequence change falls in intron 6 of the PTPN23 gene. It does not directly change the encoded amino acid sequence of the PTPN23 protein. It affects a nucleotide within the consensus splice site. This variant has not been reported in the literature in individuals affected with PTPN23-related conditions. Variants that disrupt the consensus splice site are a relatively common cause of aberrant splicing (PMID: 17576681, 9536098). Algorithms developed to predict the effect of sequence changes on RNA splicing suggest that this variant is not likely to affect RNA splicing.

Literature cited by the submitters: PubMed 17576681; PubMed 9536098.